The following is an entry in ClinVar:

ClinVar aggregate classification (germline): Likely benign (0 of 4 stars; one submission).

Conditions:
GJA3-related disorder. Also called: GJA3-related condition.

Allele frequency attached by ClinVar (database versions not stated): gnomAD exomes 0.00001; gnomAD 0.00003; TOPMed 0.00006.
gnomAD v4.1: 29 of 1,550,034 alleles (0.0019%); highest among the groups gnomAD compares: Middle Eastern, 0.05%; no homozygotes.

Submission:

PreventionGenetics, part of Exact Sciences
Classification: Likely benign for GJA3-related condition. Last evaluated: 2019-10-17. Review status: no assertion criteria provided. Collection method: clinical testing. Allele origin: germline.
Comment: This variant is classified as likely benign based on ACMG/AMP sequence variant interpretation guidelines (Richards et al. 2015 PMID: 25741868, with internal and published modifications).

NM_021954.4(GJA3):c.*5C>T

Gene: GJA3 (gap junction protein alpha 3; minus strand). Cytogenetic location: 13q12.11.
Variant type: single nucleotide variant.
Coding change: c.*5C>T on transcript NM_021954.4 (MANE Select); 5 bases downstream of the stop codon, C replaced by T.
Molecular consequence: 3 prime UTR variant.
Genome position (GRCh38, 1-based): chr13:20,141,976, G>A on the plus strand (C>T on the coding strand, the complement: GJA3 is on the minus strand). VCF-style: chr13-20141976-G-A. GRCh37 (hg19) VCF-style: chr13-20716115-G-A.
Identifiers: ClinVar variation 3045475 (VCV003045475.2), dbSNP rs929067280, ClinGen allele CA246469159.